The following is an entry in ClinVar:

NM_001283009.2(RTEL1):c.2805C>T (p.Leu935=)

Genes: RTEL1 (regulator of telomere elongation helicase 1; plus strand), RTEL1-TNFRSF6B (RTEL1-TNFRSF6B readthrough (NMD candidate); plus strand). Cytogenetic location: 20q13.33.
Variant type: single nucleotide variant.
Coding change: c.2805C>T on transcript NM_001283009.2 (MANE Select); coding-DNA position 2805, C replaced by T.
Protein change: p.Leu935=; no amino-acid change (leucine 935 retained).
Molecular consequence: synonymous variant. On other transcripts: non-coding transcript variant (1).
Genome position (GRCh38, 1-based): chr20:63,692,957, C>T. VCF-style: chr20-63692957-C-T. GRCh37 (hg19) VCF-style: chr20-62324310-C-T.
Other names: p.Leu959=; c.2136C>T, p.Leu712= (NM_001283010.1); c.2805C>T, p.Leu935= (NM_016434.4); c.2877C>T, p.Leu959= (NM_032957.5).
Identifiers: ClinVar variation 436570 (VCV000436570.61), dbSNP rs12625047, ClinGen allele CA9965545.

ClinVar aggregate classification (germline): Benign/Likely benign. Review status: criteria provided, multiple submitters, no conflicts (2 of 4 stars). 9 submissions from 9 submitters: Benign (1); Likely benign (6). 2 of the submissions do not count toward it. Last evaluated 2026-02-01.

Conditions:
Inborn genetic diseases. Identifiers: MedGen C0950123, MeSH D030342.
RTEL1-related disorder. Also called: RTEL1-related condition; RTEL1-related disorders.
Dyskeratosis congenita, autosomal recessive 5 (DKCB5). Identifiers: MedGen C3554656, MONDO:0014076, OMIM 615190.
Pulmonary fibrosis and/or bone marrow failure, Telomere-related, 3. Also called: PULMONARY FIBROSIS AND/OR BONE MARROW FAILURE SYNDROME, TELOMERE-RELATED, 3. Identifiers: Orphanet 2032, MedGen C4225346, MONDO:0014613, OMIM 616373.
Dyskeratosis congenita. Identifiers: Orphanet 1775, MedGen C0265965, MONDO:0015780.

Allele frequency attached by ClinVar (database versions not stated): ESP Exome Variant Server 0.00077; gnomAD 0.00086; TOPMed 0.00093; 1000 Genomes Project 30x 0.00156; 1000 Genomes Project 0.00160; gnomAD exomes 0.00169 and 0.00187; ExAC 0.00176.
gnomAD v4.1: 2,636 of 1,612,666 alleles (0.16%); highest among the groups gnomAD compares: South Asian, 0.9%; 22 homozygotes.

Submissions (9):

Labcorp Genetics (formerly Invitae), Labcorp
Classification: Benign for Dyskeratosis congenita, autosomal recessive 5; Pulmonary fibrosis and/or bone marrow failure, Telomere-related, 3. Last evaluated: 2026-02-01. Review status: criteria provided, single submitter. Criteria: Invitae Variant Classification Sherloc (09022015). Collection method: clinical testing. Allele origin: germline.

Mayo Clinic Laboratories, Mayo Clinic
Classification: Likely benign. Last evaluated: 2025-08-18. Review status: criteria provided, single submitter. Criteria: ACMG Guidelines, 2015. Collection method: clinical testing. Allele origin: germline. Observed: 6 variant alleles.
Comment: BS1, BP4, BP7

ARUP Laboratories, Molecular Genetics and Genomics, ARUP Laboratories
Classification: Likely benign. Last evaluated: 2024-09-24. Review status: criteria provided, single submitter. Criteria: ARUP Molecular Germline Variant Investigation Process 2024. Collection method: clinical testing. Allele origin: germline.

CeGaT Center for Human Genetics Tuebingen
Classification: Likely benign. Last evaluated: 2024-07-01. Review status: criteria provided, single submitter. Criteria: CeGaT Center For Human Genetics Tuebingen Variant Classification Criteria Version 2. Collection method: clinical testing. Allele origin: germline. Affected: yes. Observed: 10 variant alleles.
Comment: RTEL1: BP4, BP7, BS2

Ambry Genetics
Classification: Likely benign for Inborn genetic diseases. Last evaluated: 2022-04-09. Review status: criteria provided, single submitter. Criteria: Ambry Variant Classification Scheme 2023. Collection method: clinical testing. Allele origin: germline.

Sema4
Classification: Likely benign for Dyskeratosis congenita. Last evaluated: 2020-12-15. Review status: criteria provided, single submitter. Criteria: Sema4 Curation Guidelines. Collection method: curation. Allele origin: germline.

Genetic Services Laboratory, University of Chicago
Classification: Likely benign. Last evaluated: 2015-08-28. Review status: criteria provided, single submitter. Criteria: ACMG Guidelines, 2015. Collection method: clinical testing. Allele origin: germline. Affected: no.

Natera, Inc.
Classification: Benign for Dyskeratosis congenita. Last evaluated: 2020-09-16. Review status: no assertion criteria provided. Collection method: clinical testing. Allele origin: germline. Not counted in ClinVar's aggregate classification.

PreventionGenetics, part of Exact Sciences
Classification: Benign for RTEL1-related condition. Last evaluated: 2019-05-17. Review status: no assertion criteria provided. Collection method: clinical testing. Allele origin: germline. Not counted in ClinVar's aggregate classification.
Comment: This variant is classified as benign based on ACMG/AMP sequence variant interpretation guidelines (Richards et al. 2015 PMID: 25741868, with internal and published modifications).